The following is an entry in ClinVar:

NM_000038.6(APC):c.4710T>A (p.Asp1570Glu)

Gene: APC (APC regulator of Wnt signaling pathway; plus strand). Cytogenetic location: 5q22.2.
Variant type: single nucleotide variant.
Coding change: c.4710T>A on transcript NM_000038.6 (MANE Select); coding-DNA position 4710, T replaced by A.
Protein change: p.Asp1570Glu; replaces aspartic acid 1570 with glutamic acid.
Molecular consequence: missense variant.
Genome position (GRCh38, 1-based): chr5:112,840,304, T>A. VCF-style: chr5-112840304-T-A. GRCh37 (hg19) VCF-style: chr5-112176001-T-A.
Other names: c.4710T>A, p.Asp1570Glu (NM_001127510.3, NM_001354895.2); c.4656T>A, p.Asp1552Glu (NM_001127511.3); c.4764T>A, p.Asp1588Glu (NM_001354896.2); c.4740T>A, p.Asp1580Glu (NM_001354897.2); c.4635T>A, p.Asp1545Glu (NM_001354898.2); c.4626T>A, p.Asp1542Glu (NM_001354899.2); c.4587T>A, p.Asp1529Glu (NM_001354900.2); c.4533T>A, p.Asp1511Glu (NM_001354901.2); and 5 more; short protein forms D1552E, D1570E, D1588E, D1469E, D1287E, D1410E, D1542E, D1545E.
Identifiers: ClinVar variation 233211 (VCV000233211.10), dbSNP rs201764198, ClinGen allele CA10578381.

ClinVar aggregate classification (germline): Uncertain significance. Review status: criteria provided, multiple submitters, no conflicts (2 of 4 stars). 2 submissions from 2 submitters: Uncertain significance (2). Last evaluated 2024-12-16.

Conditions:
Hereditary cancer-predisposing syndrome. Also called: Neoplastic Syndromes, Hereditary; Tumor predisposition; Hereditary Cancer Syndrome; Hereditary neoplastic syndrome. Identifiers: Orphanet 140162, MedGen C0027672, MeSH D009386, MONDO:0015356.
Familial adenomatous polyposis 1 (FAP1). Also called: FAMILIAL ADENOMATOUS POLYPOSIS 1, ATTENUATED; POLYPOSIS, ADENOMATOUS INTESTINAL. Identifiers: MedGen C2713442, MONDO:0021056, OMIM 175100. Disease mechanism: loss of function.

Submissions (2):

Labcorp Genetics (formerly Invitae), Labcorp
Classification: Uncertain significance for Familial adenomatous polyposis 1. Last evaluated: 2024-12-16. Review status: criteria provided, single submitter. Criteria: Invitae Variant Classification Sherloc (09022015). Collection method: clinical testing. Allele origin: germline.
Comment: This sequence change replaces aspartic acid, which is acidic and polar, with glutamic acid, which is acidic and polar, at codon 1570 of the APC protein (p.Asp1570Glu). This variant is not present in population databases (gnomAD no frequency). This variant has not been reported in the literature in individuals affected with APC-related conditions. ClinVar contains an entry for this variant (Variation ID: 233211). Invitae Evidence Modeling of protein sequence and biophysical properties (such as structural, functional, and spatial information, amino acid conservation, physicochemical variation, residue mobility, and thermodynamic stability) indicates that this missense variant is not expected to disrupt APC protein function with a negative predictive value of 95%. In summary, the available evidence is currently insufficient to determine the role of this variant in disease. Therefore, it has been classified as a Variant of Uncertain Significance.

Ambry Genetics
Classification: Uncertain significance for Hereditary cancer-predisposing syndrome. Last evaluated: 2023-04-14. Review status: criteria provided, single submitter. Criteria: Ambry Variant Classification Scheme 2023. Collection method: clinical testing. Allele origin: germline.
Comment: The p.D1570E variant (also known as c.4710T>A), located in coding exon 15 of the APC gene, results from a T to A substitution at nucleotide position 4710. The aspartic acid at codon 1570 is replaced by glutamic acid, an amino acid with highly similar properties. This amino acid position is highly conserved in available vertebrate species. In addition, in silico predictors for this gene do not accurately predict pathogenicity. Since supporting evidence is limited at this time, the clinical significance of this alteration remains unclear.